The following is an entry in ClinVar:

ClinVar aggregate classification (germline): Uncertain significance. Review status: criteria provided, multiple submitters, no conflicts (2 of 4 stars). 3 submissions from 3 submitters: Uncertain significance (3). Last evaluated 2025-09-27.

Conditions:
Neuropathy, hereditary sensory and autonomic, type 2A (HSAN2A). Also called: HSAN IIA; WNK1-Related HSAN2 (HSAN2A); MORVAN DISEASE; NEUROPATHY, CONGENITAL SENSORY; NEUROPATHY, HEREDITARY SENSORY RADICULAR, AUTOSOMAL RECESSIVE; NEUROPATHY, HEREDITARY SENSORY, TYPE IIA. Identifiers: Orphanet 970, MedGen C2752089, MONDO:0024309, OMIM 201300.
Generalized epilepsy with febrile seizures plus, type 7 (GEFSP7). Also called: GEFS+, TYPE 7. Identifiers: Orphanet 36387, MedGen C2751778, MONDO:0013470, OMIM 613863.

Allele frequency attached by ClinVar (database versions not stated): ExAC below 0.00001; gnomAD exomes 0.00002 and 0.00003; TOPMed 0.00002; gnomAD 0.00003.
gnomAD v4.1: 45 of 1,577,554 alleles (0.0029%); highest among the groups gnomAD compares: African/African-American, 0.0041%; no homozygotes.

Submissions (3):

Labcorp Genetics (formerly Invitae), Labcorp
Classification: Uncertain significance for Neuropathy, hereditary sensory and autonomic, type 2A; Generalized epilepsy with febrile seizures plus, type 7. Last evaluated: 2025-09-27. Review status: criteria provided, single submitter. Criteria: Invitae Variant Classification Sherloc (09022015). Collection method: clinical testing. Allele origin: germline.
Comment: This sequence change replaces serine, which is neutral and polar, with asparagine, which is neutral and polar, at codon 1419 of the SCN9A protein (p.Ser1419Asn). This variant is present in population databases (rs201479177, gnomAD 0.005%). This variant has not been reported in the literature in individuals affected with SCN9A-related conditions. ClinVar contains an entry for this variant (Variation ID: 246147). Invitae Evidence Modeling of protein sequence and biophysical properties (such as structural, functional, and spatial information, amino acid conservation, physicochemical variation, residue mobility, and thermodynamic stability) indicates that this missense variant is not expected to disrupt SCN9A protein function with a negative predictive value of 95%. In summary, the available evidence is currently insufficient to determine the role of this variant in disease. Therefore, it has been classified as a Variant of Uncertain Significance.

CeGaT Center for Human Genetics Tuebingen
Classification: Uncertain significance. Last evaluated: 2021-03-01. Review status: criteria provided, single submitter. Criteria: CeGaT Center For Human Genetics Tuebingen Variant Classification Criteria Version 2. Collection method: clinical testing. Allele origin: germline. Affected: yes. Observed: 1 variant allele.

GeneDx
Classification: Uncertain significance. Last evaluated: 2015-12-03. Review status: criteria provided, single submitter. Criteria: GeneDx Variant Classification (06012015). Collection method: clinical testing. Allele origin: germline. Affected: yes.
Comment: The S1419N variant has not been published as a pathogenic variant, nor has it been reported as a benign variant to our knowledge. It was not observed in approximately 6,200 individuals of European and African American ancestry in the NHLBI Exome Sequencing Project, indicating it is not a common benign variant in these populations. The S1419N variant is a conservative amino acid substitution, which is not likely to impact secondary protein structure as these residues share similar properties. This substitution occurs at a position, where amino acids with similar properties to Serine are tolerated across species. In silico analysis predicts this variant likely does not alter the protein structure/function. Based on the currently available information, it is unclear whether this variant is a pathogenic variant or a rare benign variant.

NM_001365536.1(SCN9A):c.4289G>A (p.Ser1430Asn)

Genes: SCN1A-AS1 (SCN1A and SCN9A antisense RNA 1; plus strand), SCN9A (sodium voltage-gated channel alpha subunit 9; minus strand). Cytogenetic location: 2q24.3.
Variant type: single nucleotide variant.
Coding change: c.4289G>A on transcript NM_001365536.1 (MANE Select); coding-DNA position 4289, G replaced by A.
Protein change: p.Ser1430Asn; replaces serine 1430 with asparagine.
Molecular consequence: missense variant.
Genome position (GRCh38, 1-based): chr2:166,226,676, C>T on the plus strand (G>A on the coding strand, the complement: SCN9A is on the minus strand). VCF-style: chr2-166226676-C-T. GRCh37 (hg19) VCF-style: chr2-167083186-C-T.
Other names: c.4256G>A, p.Ser1419Asn (NM_002977.4); short protein forms S1419N, S1430N.
Identifiers: ClinVar variation 246147 (VCV000246147.46), dbSNP rs201479177, ClinGen allele CA1943901.